The following is an entry in ClinVar:

NM_017780.4(CHD7):c.664C>T (p.Gln222Ter)

Gene: CHD7 (chromodomain helicase DNA binding protein 7; plus strand). Cytogenetic location: 8q12.2.
Variant type: single nucleotide variant.
Coding change: c.664C>T on transcript NM_017780.4 (MANE Select); coding-DNA position 664, C replaced by T.
Protein change: p.Gln222Ter; replaces glutamine 222 with a stop codon.
Molecular consequence: nonsense.
Genome position (GRCh38, 1-based): chr8:60,742,096, C>T. VCF-style: chr8-60742096-C-T. GRCh37 (hg19) VCF-style: chr8-61654655-C-T.
Other names: c.664C>T, p.Gln222Ter (NM_001316690.1); short protein forms Q222*.
Identifiers: ClinVar variation 932478 (VCV000932478.43), dbSNP rs1809060555, ClinGen allele CA371298725.

ClinVar aggregate classification (germline): Pathogenic. Review status: criteria provided, multiple submitters, no conflicts (2 of 4 stars). 2 submissions from 2 submitters: Pathogenic (2). Last evaluated 2025-10-21.

Submissions (2):

GeneDx
Classification: Pathogenic. Last evaluated: 2025-10-21. Review status: criteria provided, single submitter. Criteria: GeneDx Variant Classification Process June 2021. Collection method: clinical testing. Allele origin: germline. Affected: yes.
Comment: Not observed at significant frequency in large population cohorts (gnomAD); Nonsense variant predicted to result in protein truncation or nonsense mediated decay in a gene for which loss of function is a known mechanism of disease; This variant is associated with the following publications: (PMID: 26538304)

CeGaT Center for Human Genetics Tuebingen
Classification: Pathogenic. Last evaluated: 2020-04-01. Review status: criteria provided, single submitter. Criteria: CeGaT Center For Human Genetics Tuebingen Variant Classification Criteria Version 2. Collection method: clinical testing. Allele origin: germline. Affected: yes. Observed: 1 variant allele.